The following is an entry in ClinVar:

ClinVar aggregate classification (germline): Uncertain significance (1 of 4 stars; one submission).

Conditions:
Hereditary cancer-predisposing syndrome. Also called: Neoplastic Syndromes, Hereditary; Tumor predisposition; Hereditary neoplastic syndrome; Hereditary Cancer Syndrome. Identifiers: Orphanet 140162, MedGen C0027672, MeSH D009386, MONDO:0015356.

gnomAD v4.1: 1 of 1,613,348 alleles (0.000062%); highest among the groups gnomAD compares: Non-Finnish European, 0.000085%; no homozygotes.

Submission:

Ambry Genetics
Classification: Uncertain significance for Hereditary cancer-predisposing syndrome. Last evaluated: 2026-08-05. Review status: criteria provided, single submitter. Criteria: Ambry Variant Classification Scheme 2023. Collection method: clinical testing. Allele origin: germline.
Comment: The p.N131S variant (also known as c.392A>G), located in coding exon 4 of the MITF gene, results from an A to G substitution at nucleotide position 392. The asparagine at codon 131 is replaced by serine, an amino acid with highly similar properties. This amino acid position is conserved. In addition, this alteration is predicted to be tolerated by in silico analysis. Based on the available evidence, the clinical significance of this variant remains unclear.

NM_001354604.2(MITF):c.713A>G (p.Asn238Ser)

Gene: MITF (melanocyte inducing transcription factor; plus strand). Cytogenetic location: 3p13.
Variant type: single nucleotide variant.
Coding change: c.713A>G on transcript NM_001354604.2 (MANE Select); coding-DNA position 713, A replaced by G.
Protein change: p.Asn238Ser; replaces asparagine 238 with serine.
Molecular consequence: missense variant.
Genome position (GRCh38, 1-based): chr3:69,941,282, A>G. VCF-style: chr3-69941282-A-G. GRCh37 (hg19) VCF-style: chr3-69990433-A-G.
Other names: c.392A>G, p.Asn131Ser (NM_000248.4, NM_198158.3); c.557A>G, p.Asn186Ser (NM_001184967.2, NM_001354608.2); c.710A>G, p.Asn237Ser (NM_001354605.2, NM_001354606.2, NM_006722.3); c.662A>G, p.Asn221Ser (NM_001354607.2); c.713A>G, p.Asn238Ser (NM_198159.3); c.665A>G, p.Asn222Ser (NM_198177.3); c.224A>G, p.Asn75Ser (NM_198178.3); short protein forms N186S, N221S, N222S, N238S, N75S, N131S, N237S.
Identifiers: ClinVar variation 5024480 (VCV005024480.1).